The following is an entry in ClinVar:

NM_006393.3(NEBL):c.614A>G (p.Asn205Ser)

Gene: NEBL (nebulette; minus strand). Cytogenetic location: 10p12.31.
Variant type: single nucleotide variant.
Coding change: c.614A>G on transcript NM_006393.3 (MANE Select); coding-DNA position 614, A replaced by G.
Protein change: p.Asn205Ser; replaces asparagine 205 with serine.
Molecular consequence: missense variant. On other transcripts: intron variant (9).
Genome position (GRCh38, 1-based): chr10:20,868,734, T>C on the plus strand (A>G on the coding strand, the complement: NEBL is on the minus strand). VCF-style: chr10-20868734-T-C. GRCh37 (hg19) VCF-style: chr10-21157663-T-C.
Other names: p.N205S:AAT>AGT; c.250-55794A>G (NM_001377326.1, NM_001377327.1, NM_001377328.1); c.358-55794A>G (NM_213569.2, NM_001173484.2, NM_001377322.1); c.301-55794A>G (NM_001377324.1); c.292-55794A>G (NM_001377325.1); c.310-55794A>G (NM_001377323.1); short protein forms N205S.
Identifiers: ClinVar variation 201898 (VCV000201898.11), dbSNP rs794729077, ClinGen allele CA335337.

ClinVar aggregate classification (germline): Conflicting classifications of pathogenicity. Review status: criteria provided, conflicting classifications (1 of 4 stars). 2 submissions from 2 submitters: Uncertain significance (1); Likely benign (1). Last evaluated 2024-03-13.

Conditions:
Primary dilated cardiomyopathy (DCM). Also called: Dilated Cardiomyopathy. Identifiers: Orphanet 217604, MedGen C0007193, MeSH D002311, MONDO:0005021, HP:0001644. Inheritance: Various modes of inheritance.

gnomAD v4.1: 5 of 1,612,114 alleles (0.00031%); highest among the groups gnomAD compares: Non-Finnish European, 0.00042%; no homozygotes.

Submissions (2):

Labcorp Genetics (formerly Invitae), Labcorp
Classification: Uncertain significance for Primary dilated cardiomyopathy. Last evaluated: 2024-03-13. Review status: criteria provided, single submitter. Criteria: Invitae Variant Classification Sherloc (09022015). Collection method: clinical testing. Allele origin: germline.
Comment: This sequence change replaces asparagine, which is neutral and polar, with serine, which is neutral and polar, at codon 205 of the NEBL protein (p.Asn205Ser). This variant is not present in population databases (gnomAD no frequency). This variant has not been reported in the literature in individuals affected with NEBL-related conditions. ClinVar contains an entry for this variant (Variation ID: 201898). An algorithm developed to predict the effect of missense changes on protein structure and function (PolyPhen-2) suggests that this variant is likely to be tolerated. In summary, the available evidence is currently insufficient to determine the role of this variant in disease. Therefore, it has been classified as a Variant of Uncertain Significance.

GeneDx
Classification: Likely benign. Last evaluated: 2014-04-17. Review status: criteria provided, single submitter. Criteria: GeneDx Variant Classification (06012015). Collection method: clinical testing. Allele origin: germline. Affected: yes.
Comment: This variant is considered likely benign or benign based on one or more of the following criteria: it is a conservative change, it occurs at a poorly conserved position in the protein, it is predicted to be benign by multiple in silico algorithms, and/or has population frequency not consistent with disease.